The following is an entry in ClinVar:

ClinVar aggregate classification (germline): Uncertain significance (1 of 4 stars; one submission).

Submission:

GeneDx
Classification: Uncertain significance. Last evaluated: 2019-06-12. Review status: criteria provided, single submitter. Criteria: GeneDx Variant Classification Process June 2021. Collection method: clinical testing. Allele origin: germline. Affected: yes.
Comment: Not observed in large population cohorts (Lek et al., 2016); In silico analysis, which includes protein predictors and evolutionary conservation, supports that this variant does not alter protein structure/function; Has not been previously published as pathogenic or benign to our knowledge

NM_014112.5(TRPS1):c.3701G>A (p.Gly1234Asp)

Gene: TRPS1 (transcriptional repressor GATA binding 1; minus strand). Cytogenetic location: 8q23.3.
Variant type: single nucleotide variant.
Coding change: c.3701G>A on transcript NM_014112.5 (MANE Select); coding-DNA position 3701, G replaced by A.
Protein change: p.Gly1234Asp; replaces glycine 1234 with aspartic acid.
Molecular consequence: missense variant.
Genome position (GRCh38, 1-based): chr8:115,414,207, C>T on the plus strand (G>A on the coding strand, the complement: TRPS1 is on the minus strand). VCF-style: chr8-115414207-C-T. GRCh37 (hg19) VCF-style: chr8-116426435-C-T.
Other names: c.3674G>A, p.Gly1225Asp (NM_001282902.3); c.3680G>A, p.Gly1227Asp (NM_001282903.3); c.3662G>A, p.Gly1221Asp (NM_001330599.2); short protein forms G1221D, G1225D, G1227D, G1234D.
Identifiers: ClinVar variation 1302205 (VCV001302205.2), dbSNP rs2129745751, ClinGen allele CA372062177.